The following is an entry in ClinVar:

ClinVar aggregate classification (germline): Pathogenic (1 of 4 stars; one submission).

Submission:

Labcorp Genetics (formerly Invitae), Labcorp
Classification: Pathogenic. Last evaluated: 2025-11-05. Review status: criteria provided, single submitter. Criteria: Invitae Variant Classification Sherloc (09022015). Collection method: clinical testing. Allele origin: germline.
Comment: This sequence change creates a premature translational stop signal (p.Glu17*) in the TOP3A gene. It is expected to result in an absent or disrupted protein product. Loss-of-function variants in TOP3A are known to be pathogenic (PMID: 30057030). This variant is not present in population databases (gnomAD no frequency). This variant has not been reported in the literature in individuals affected with TOP3A-related conditions. For these reasons, this variant has been classified as Pathogenic.

Literature cited by the submitters: PubMed 30057030.

NM_004618.5(TOP3A):c.49G>T (p.Glu17Ter)

Genes: TOP3A (DNA topoisomerase III alpha; minus strand), LOC130060427 (ATAC-STARR-seq lymphoblastoid active region 11836; plus strand). Cytogenetic location: 17p11.2.
Variant type: single nucleotide variant.
Coding change: c.49G>T on transcript NM_004618.5 (MANE Select); coding-DNA position 49, G replaced by T.
Protein change: p.Glu17Ter; replaces glutamic acid 17 with a stop codon.
Molecular consequence: nonsense. On other transcripts: 5 prime UTR variant (1).
Genome position (GRCh38, 1-based): chr17:18,314,730, C>A on the plus strand (G>T on the coding strand, the complement: TOP3A is on the minus strand). VCF-style: chr17-18314730-C-A. GRCh37 (hg19) VCF-style: chr17-18218044-C-A.
Other names: c.-163G>T (NM_001320759.2); short protein forms E17*.
Identifiers: ClinVar variation 4728310 (VCV004728310.1).